The following is an entry in ClinVar:

NM_001282933.2(ZNF341):c.2269G>A (p.Gly757Ser)

Genes: ZNF341 (zinc finger protein 341; plus strand), ZNF341-AS1 (ZNF341 antisense RNA 1; minus strand). Cytogenetic location: 20q11.22.
Variant type: single nucleotide variant.
Coding change: c.2269G>A on transcript NM_001282933.2 (MANE Select); coding-DNA position 2269, G replaced by A.
Protein change: p.Gly757Ser; replaces glycine 757 with serine.
Molecular consequence: missense variant. On other transcripts: non-coding transcript variant (1).
Genome position (GRCh38, 1-based): chr20:33,791,221, G>A. VCF-style: chr20-33791221-G-A. GRCh37 (hg19) VCF-style: chr20-32379027-G-A.
Other names: c.1999G>A, p.Gly667Ser (NM_001282935.2); c.2248G>A, p.Gly750Ser (NM_032819.5); c.2248G>A (NM_032819.3); short protein forms G667S, G750S, G757S.
Identifiers: ClinVar variation 1450955 (VCV001450955.7), dbSNP rs370107539, ClinGen allele CA9819763.
Genomic context (GRCh38, chr20:33,791,221, plus strand): 5'-AAGGACAAGGACCTGCAAACCCGGCGGCCCCCCCAGAGGAGGGCAGCCCCCCGCAGTTGC[G>A]GCAGTGGTGGGCGCAAGGTGCTGACCCCCTTGCCTGACCCGCTGGGGCTGGAGGAGCTGA-3'
Protein context (NP_001269862.1, residues 747-767): PQRRAAPRSC[Gly757Ser]SGGRKVLTPL

ClinVar aggregate classification (germline): Conflicting classifications of pathogenicity. Review status: criteria provided, conflicting classifications (1 of 4 stars). 3 submissions from 3 submitters: Uncertain significance (2); Likely benign (1). Last evaluated 2026-01-11.

gnomAD v4.1: 131 of 1,611,944 alleles (0.0081%); highest among the groups gnomAD compares: East Asian, 0.022%; no homozygotes.

Submissions (3):

Labcorp Genetics (formerly Invitae), Labcorp
Classification: Uncertain significance. Last evaluated: 2026-01-11. Review status: criteria provided, single submitter. Criteria: Invitae Variant Classification Sherloc (09022015). Collection method: clinical testing. Allele origin: germline.
Comment: This sequence change replaces glycine, which is neutral and non-polar, with serine, which is neutral and polar, at codon 750 of the ZNF341 protein (p.Gly750Ser). This variant is present in population databases (rs370107539, gnomAD 0.07%). This variant has not been reported in the literature in individuals affected with ZNF341-related conditions. ClinVar contains an entry for this variant (Variation ID: 1450955). An algorithm developed to predict the effect of missense changes on protein structure and function outputs the following: PolyPhen-2: "Benign". The serine amino acid residue is found in multiple mammalian species, which suggests that this missense change does not adversely affect protein function. In summary, the available evidence is currently insufficient to determine the role of this variant in disease. Therefore, it has been classified as a Variant of Uncertain Significance.

Ambry Genetics
Classification: Likely benign. Last evaluated: 2022-06-28. Review status: criteria provided, single submitter. Criteria: Ambry Variant Classification Scheme 2023. Collection method: clinical testing. Allele origin: germline.

Breakthrough Genomics
Classification: Uncertain significance. Review status: criteria provided, single submitter. Criteria: ACMG Guidelines, 2015. Collection method: not provided. Allele origin: germline. Inheritance: Autosomal dominant inheritance. Affected: yes.